The following is an entry in ClinVar:

ClinVar aggregate classification (germline): Uncertain significance (1 of 4 stars; one submission).

Conditions:
T-cell immunodeficiency, congenital alopecia, and nail dystrophy. Also called: Congenital alopecia and nail dystrophy associated with severe functional T-cell immunodeficiency; Pignata Guarino syndrome. Identifiers: Orphanet 169095, MedGen C1866426, MONDO:0011132, OMIM 601705.

Allele frequency attached by ClinVar (database versions not stated): gnomAD exomes below 0.00001; TOPMed below 0.00001.
gnomAD v4.1: 2 of 1,613,320 alleles (0.00012%); highest among the groups gnomAD compares: Non-Finnish European, 0.00017%; no homozygotes.

Submission:

Labcorp Genetics (formerly Invitae), Labcorp
Classification: Uncertain significance for T-cell immunodeficiency, congenital alopecia, and nail dystrophy. Last evaluated: 2021-08-24. Review status: criteria provided, single submitter. Criteria: Invitae Variant Classification Sherloc (09022015). Collection method: clinical testing. Allele origin: germline.
Comment: This sequence change replaces tyrosine with histidine at codon 126 of the FOXN1 protein (p.Tyr126His). The tyrosine residue is highly conserved and there is a moderate physicochemical difference between tyrosine and histidine. This variant is not present in population databases (ExAC no frequency). This variant has not been reported in the literature in individuals affected with FOXN1-related conditions. Algorithms developed to predict the effect of missense changes on protein structure and function are either unavailable or do not agree on the potential impact of this missense change (SIFT: "Tolerated"; PolyPhen-2: "Probably Damaging"; Align-GVGD: "Class C15"). In summary, the available evidence is currently insufficient to determine the role of this variant in disease. Therefore, it has been classified as a Variant of Uncertain Significance.

NM_001369369.1(FOXN1):c.376T>C (p.Tyr126His)

Gene: FOXN1 (forkhead box N1; plus strand). Cytogenetic location: 17q11.2.
Variant type: single nucleotide variant.
Coding change: c.376T>C on transcript NM_001369369.1 (MANE Select); coding-DNA position 376, T replaced by C.
Protein change: p.Tyr126His; replaces tyrosine 126 with histidine.
Molecular consequence: missense variant.
Genome position (GRCh38, 1-based): chr17:28,524,755, T>C. VCF-style: chr17-28524755-T-C. GRCh37 (hg19) VCF-style: chr17-26851773-T-C.
Other names: c.376T>C, p.Tyr126His (NM_003593.3); short protein forms Y126H.
Identifiers: ClinVar variation 665450 (VCV000665450.3), dbSNP rs1597551569, ClinGen allele CA398321397.
Genomic context (GRCh38, chr17:28,524,755, plus strand): 5'-GAGGCCGCAGCAAGCAGCCCTGGGCGATTCCTCAAGGGCAGCCACGCGCCCTTCCACCCG[T>C]ACAAGCGGCCTTTCCATGAGGACGTCTTCCCAGAGGCCGAGACCACCCTGGCCCTCAAAG-3'
Protein context (NP_001356298.1, residues 116-136): LKGSHAPFHP[Tyr126His]KRPFHEDVFP